The following is an entry in ClinVar:

NM_000520.6(HEXA):c.672+3A>G

Gene: HEXA (hexosaminidase subunit alpha; minus strand). Cytogenetic location: 15q23.
Variant type: single nucleotide variant.
Coding change: c.672+3A>G on transcript NM_000520.6 (MANE Select); 3 bases into the intron after coding-DNA position 672, A replaced by G.
Molecular consequence: intron variant.
Genome position (GRCh38, 1-based): chr15:72,351,130, T>C on the plus strand (A>G on the coding strand, the complement: HEXA is on the minus strand). VCF-style: chr15-72351130-T-C. GRCh37 (hg19) VCF-style: chr15-72643471-T-C.
Other names: c.705+3A>G (NM_001318825.2).
Identifiers: ClinVar variation 3911924 (VCV003911924.2).
Genomic context (GRCh38, chr15:72,351,130, plus strand): 5'-CAGGGCCACAGCCAGATTCAGACATTGACCCATAAACTTGGTCTGAGTGAAACGGGAACA[T>C]ACCTTTCTCATGAGCTCTGGAAAAGTGAAGCTCTCATATGGGAAGGAAGGATCATCTACC-3'

ClinVar aggregate classification (germline): Uncertain significance (1 of 4 stars; one submission).

gnomAD v4.1: 3 of 1,581,670 alleles (0.00019%); highest among the groups gnomAD compares: East Asian, 0.0022%; no homozygotes.

Submission:

Women's Health and Genetics/Laboratory Corporation of America, LabCorp
Classification: Uncertain significance. Last evaluated: 2025-07-07. Review status: criteria provided, single submitter. Criteria: LabCorp Variant Classification Summary - May 2015. Collection method: clinical testing. Allele origin: germline.
Comment: Variant summary: HEXA c.672+3A>G alters a conserved nucleotide located close to a canonical splice site and therefore could affect mRNA splicing, leading to a significantly altered protein sequence. Consensus agreement among computation tools predict no significant impact on normal splicing. However, these predictions have yet to be confirmed by functional studies. The variant allele was found at a frequency of 1.9e-06 in 1581670 control chromosomes. The available data on variant occurrences in the general population are insufficient to allow any conclusion about variant significance. To our knowledge, no occurrence of c.672+3A>G in individuals affected with Tay-Sachs Disease and no experimental evidence demonstrating its impact on protein function have been reported. No submitters have cited clinical-significance assessments for this variant to ClinVar. Based on the evidence outlined above, the variant was classified as uncertain significance.